The following is an entry in ClinVar:

NM_006267.5(RANBP2):c.1761C>A (p.Ser587Arg)

Gene: RANBP2 (RAN binding protein 2; plus strand). Cytogenetic location: 2q13.
Variant type: single nucleotide variant.
Coding change: c.1761C>A on transcript NM_006267.5 (MANE Select); coding-DNA position 1761, C replaced by A.
Protein change: p.Ser587Arg; replaces serine 587 with arginine.
Molecular consequence: missense variant.
Genome position (GRCh38, 1-based): chr2:108,753,003, C>A. VCF-style: chr2-108753003-C-A. GRCh37 (hg19) VCF-style: chr2-109369459-C-A.
Other names: short protein forms S587R.
Identifiers: ClinVar variation 2165670 (VCV002165670.4), dbSNP rs199659469, ClinGen allele CA348051196.

ClinVar aggregate classification (germline): Uncertain significance (1 of 4 stars; one submission).

Conditions:
Familial acute necrotizing encephalopathy (IIAE3). Also called: ENCEPHALOPATHY, ACUTE, INFECTION-INDUCED, SUSCEPTIBILITY TO, 3; Susceptibility to Acute Necrotizing Encephalopathy 1. Identifiers: Orphanet 88619, MedGen C2675556, MONDO:0011953, OMIM 608033.

gnomAD v4.1: 9 of 1,607,832 alleles (0.00056%); highest among the groups gnomAD compares: East Asian, 0.0045%; no homozygotes.

Submission:

Labcorp Genetics (formerly Invitae), Labcorp
Classification: Uncertain significance for Familial acute necrotizing encephalopathy. Last evaluated: 2022-04-11. Review status: criteria provided, single submitter. Criteria: Invitae Variant Classification Sherloc (09022015). Collection method: clinical testing. Allele origin: germline.
Comment: This variant has not been reported in the literature in individuals affected with RANBP2-related conditions. In summary, the available evidence is currently insufficient to determine the role of this variant in disease. Therefore, it has been classified as a Variant of Uncertain Significance. Algorithms developed to predict the effect of missense changes on protein structure and function are either unavailable or do not agree on the potential impact of this missense change (SIFT: "Deleterious"; PolyPhen-2: "Benign"; Align-GVGD: "Class C65"). This variant is not present in population databases (gnomAD no frequency). This sequence change replaces serine, which is neutral and polar, with arginine, which is basic and polar, at codon 587 of the RANBP2 protein (p.Ser587Arg).